The following is an entry in ClinVar:

ClinVar aggregate classification (germline): Uncertain significance (1 of 4 stars; one submission).

Allele frequency attached by ClinVar (database versions not stated): TOPMed below 0.00001; gnomAD 0.00001; gnomAD exomes 0.00001 and 0.00002.
gnomAD v4.1: 13 of 1,612,072 alleles (0.00081%); highest among the groups gnomAD compares: South Asian, 0.0011%; no homozygotes.

Submission:

Labcorp Genetics (formerly Invitae), Labcorp
Classification: Uncertain significance. Last evaluated: 2023-08-04. Review status: criteria provided, single submitter. Criteria: Invitae Variant Classification Sherloc (09022015). Collection method: clinical testing. Allele origin: germline.
Comment: This variant has not been reported in the literature in individuals affected with TRAF3IP1-related conditions. This sequence change falls in intron 8 of the TRAF3IP1 gene. It does not directly change the encoded amino acid sequence of the TRAF3IP1 protein. This variant is present in population databases (no rsID available, gnomAD 0.003%). ClinVar contains an entry for this variant (Variation ID: 972060). Algorithms developed to predict the effect of sequence changes on RNA splicing suggest that this variant may disrupt the consensus splice site. In summary, the available evidence is currently insufficient to determine the role of this variant in disease. Therefore, it has been classified as a Variant of Uncertain Significance.

NM_015650.4(TRAF3IP1):c.1160-9T>G

Gene: TRAF3IP1 (TRAF3 interacting protein 1; plus strand). Cytogenetic location: 2q37.3.
Variant type: single nucleotide variant.
Coding change: c.1160-9T>G on transcript NM_015650.4 (MANE Select); 9 bases into the intron before coding-DNA position 1160, T replaced by G.
Molecular consequence: intron variant.
Genome position (GRCh38, 1-based): chr2:238,344,488, T>G. VCF-style: chr2-238344488-T-G. GRCh37 (hg19) VCF-style: chr2-239253129-T-G.
Other names: c.1064-2967T>G (NM_001139490.1).
Identifiers: ClinVar variation 972060 (VCV000972060.7), dbSNP rs1292889427, ClinGen allele CA540488024.